The following is an entry in ClinVar:

ClinVar aggregate classification (germline): Likely benign. Review status: criteria provided, multiple submitters, no conflicts (2 of 4 stars). 4 submissions from 4 submitters: Likely benign (4). Last evaluated 2026-01-20.

Conditions:
Maturity-onset diabetes of the young type 11. Identifiers: Orphanet 552, MedGen C3150618, MONDO:0013242, OMIM 613375.

Allele frequency attached by ClinVar (database versions not stated): 1000 Genomes Project 30x 0.00016; gnomAD exomes 0.00019; 1000 Genomes Project 0.00020; gnomAD 0.00022 and 0.00024; TOPMed 0.00026; ExAC 0.00030; ESP Exome Variant Server 0.00031.

Submissions (4):

Labcorp Genetics (formerly Invitae), Labcorp
Classification: Likely benign. Last evaluated: 2026-01-20. Review status: criteria provided, single submitter. Criteria: Invitae Variant Classification Sherloc (09022015). Collection method: clinical testing. Allele origin: germline.

Blueprint Genetics
Classification: Likely benign. Last evaluated: 2023-10-11. Review status: criteria provided, single submitter. Criteria: ACMG Guidelines, 2015. Collection method: clinical testing. Allele origin: germline.

Fulgent Genetics
Classification: Likely benign for Maturity-onset diabetes of the young type 11. Last evaluated: 2021-08-16. Review status: criteria provided, single submitter. Criteria: ACMG Guidelines, 2015. Collection method: clinical testing. Allele origin: unknown.

Illumina Laboratory Services, Illumina
Classification: Likely benign for Maturity-onset diabetes of the young type 11. Last evaluated: 2018-01-13. Review status: criteria provided, single submitter. Criteria: ICSL Variant Classification Criteria 13 December 2019. Collection method: clinical testing. Allele origin: germline.
Comment: This variant was observed in the ICSL laboratory as part of a predisposition screen in an ostensibly healthy population. It had not been previously curated by ICSL or reported in the Human Gene Mutation Database (HGMD: prior to June 1st, 2018), and was therefore a candidate for classification through an automated scoring system. Utilizing variant allele frequency, disease prevalence and penetrance estimates, and inheritance mode, an automated score was calculated to assess if this variant is too frequent to cause the disease. Based on the score and internal cut-off values, a variant classified as likely benign is not then subjected to further curation. The score for this variant resulted in a classification of likely benign for this disease.

NM_001715.3(BLK):c.368+13G>A

Gene: BLK (BLK proto-oncogene, Src family tyrosine kinase). Cytogenetic location: 8p23.1.
Variant type: single nucleotide variant.
Coding change: c.368+13G>A on transcript NM_001715.3 (MANE Select); 13 bases into the intron after coding-DNA position 368, G replaced by A.
Molecular consequence: intron variant.
Genome position (GRCh38, 1-based): chr8:11,549,135, G>A. VCF-style: chr8-11549135-G-A. GRCh37 (hg19) VCF-style: chr8-11406644-G-A.
Other names: c.155+13G>A (NM_001330465.2).
Identifiers: ClinVar variation 910759 (VCV000910759.10), dbSNP rs199644751, ClinGen allele CA4629841.